The following is an entry in ClinVar:

ClinVar aggregate classification (germline): Conflicting classifications of pathogenicity. Review status: criteria provided, conflicting classifications (1 of 4 stars). 5 submissions from 5 submitters: Uncertain significance (1); Benign (2); Likely benign (1). 1 of the submissions does not count toward it. Last evaluated 2022-07-20.

Conditions:
Glaucoma 3, primary infantile, B. Also called: GLAUCOMA, PRIMARY CONGENITAL, TYPE B; GLC3B; GLC3 type B; Primary congenital glaucoma type 3B; Glaucoma primary congenita type 3B. Identifiers: Orphanet 98976, MedGen C1832977, MONDO:0010968, OMIM 600975.
Multiple cutaneous and mucosal venous malformations (VMCM). Also called: TEK-Related Multiple Cutaneous and Mucosal Venous Malformations (VMCM). Identifiers: Orphanet 2451, MedGen C1838437, MONDO:0010842, OMIM 600195.
Glaucoma 3, primary congenital, E (GLC3E). Identifiers: MedGen C4310639, MONDO:0014998, OMIM 617272.
Inborn genetic diseases. Identifiers: MedGen C0950123, MeSH D030342.
TEK-related disorder. Also called: TEK-related condition.

Allele frequency attached by ClinVar (database versions not stated): TOPMed 0.00006; gnomAD below 0.00001 and 0.00022; 1000 Genomes Project 30x 0.00062; ExAC 0.00090; 1000 Genomes Project 0.00060; gnomAD exomes 0.00080.
gnomAD v4.1: 703 of 1,614,190 alleles (0.044%); highest among the groups gnomAD compares: South Asian, 0.7%; 10 homozygotes.

Submissions (5):

Department of Pathology and Laboratory Medicine, Sinai Health System
Classification: Likely benign for Multiple cutaneous and mucosal venous malformations; Glaucoma 3, primary infantile, B; Glaucoma 3, primary congenital, E. Last evaluated: 2022-07-20. Review status: criteria provided, single submitter. Criteria: ACMG Guidelines, 2015. Collection method: research. Allele origin: germline.

Ambry Genetics
Classification: Uncertain significance for Inborn genetic diseases. Last evaluated: 2021-11-22. Review status: criteria provided, single submitter. Criteria: Ambry Variant Classification Scheme 2023. Collection method: clinical testing. Allele origin: germline.

Labcorp Genetics (formerly Invitae), Labcorp
Classification: Benign. Last evaluated: 2020-08-10. Review status: criteria provided, single submitter. Criteria: Invitae Variant Classification Sherloc (09022015). Collection method: clinical testing. Allele origin: germline.

Illumina Laboratory Services, Illumina
Classification: Benign for Multiple cutaneous and mucosal venous malformations. Last evaluated: 2018-01-12. Review status: criteria provided, single submitter. Criteria: ICSL Variant Classification Criteria 13 December 2019. Collection method: clinical testing. Allele origin: germline.
Comment: This variant was observed in the ICSL laboratory as part of a predisposition screen in an ostensibly healthy population. It had not been previously curated by ICSL or reported in the Human Gene Mutation Database (HGMD: prior to June 1st, 2018), and was therefore a candidate for classification through an automated scoring system. Utilizing variant allele frequency, disease prevalence and penetrance estimates, and inheritance mode, an automated score was calculated to assess if this variant is too frequent to cause the disease. Based on the score and internal cut-off values, a variant classified as benign is not then subjected to further curation. The score for this variant resulted in a classification of benign for this disease.

PreventionGenetics, part of Exact Sciences
Classification: Likely benign for TEK-related condition. Last evaluated: 2021-04-19. Review status: no assertion criteria provided. Collection method: clinical testing. Allele origin: germline. Not counted in ClinVar's aggregate classification.
Comment: This variant is classified as likely benign based on ACMG/AMP sequence variant interpretation guidelines (Richards et al. 2015 PMID: 25741868, with internal and published modifications).

NM_000459.5(TEK):c.309A>C (p.Glu103Asp)

Gene: TEK (TEK receptor tyrosine kinase; plus strand). Cytogenetic location: 9p21.2.
Variant type: single nucleotide variant.
Coding change: c.309A>C on transcript NM_000459.5 (MANE Select); coding-DNA position 309, A replaced by C.
Protein change: p.Glu103Asp; replaces glutamic acid 103 with aspartic acid.
Molecular consequence: missense variant. On other transcripts: intron variant (1).
Genome position (GRCh38, 1-based): chr9:27,158,087, A>C. VCF-style: chr9-27158087-A-C. GRCh37 (hg19) VCF-style: chr9-27158085-A-C.
Other names: c.309A>C, p.Glu103Asp (NM_001290077.2, NM_001375475.1, NM_001375476.1); c.53-10408A>C (NM_001290078.2); short protein forms E103D.
Identifiers: ClinVar variation 366393 (VCV000366393.14), dbSNP rs572527340, ClinGen allele CA5015873.
Genomic context (GRCh38, chr9:27,158,087, plus strand): 5'-TAAAAAAGTTGTTTGGAAGAGAGAAAAGGCTAGTAAGATCAATGGTGCTTATTTCTGTGA[A>C]GGGCGAGTTCGAGGAGAGGCAATCAGGATACGAACCATGAAGATGCGTCAACAAGGTAAC-3'
Protein context (NP_000450.3, residues 93-113): ASKINGAYFC[Glu103Asp]GRVRGEAIRI